The following is an entry in ClinVar:

NM_001465.6(FYB1):c.-27-5883A>G

Gene: FYB1 (FYN binding protein 1; minus strand). Cytogenetic location: 5p13.1.
Variant type: single nucleotide variant.
Coding change: c.-27-5883A>G on transcript NM_001465.6 (MANE Select); 5883 bases into the intron before 27 bases upstream of the start codon, A replaced by G.
Molecular consequence: intron variant. On other transcripts: 5 prime UTR variant (1).
Genome position (GRCh38, 1-based): chr5:39,208,870, T>C on the plus strand (A>G on the coding strand, the complement: FYB1 is on the minus strand). VCF-style: chr5-39208870-T-C. GRCh37 (hg19) VCF-style: chr5-39208972-T-C.
Other names: c.-4A>G (NM_018594.2); c.4-5883A>G (NM_001243093.2); c.-27-5883A>G (NM_199335.5); c.-28+3808A>G (NM_001349333.2).
Identifiers: ClinVar variation 3355526 (VCV003355526.1).

ClinVar aggregate classification (germline): Likely benign (0 of 4 stars; one submission).

Conditions:
FYB1-related disorder. Also called: FYB1-related condition.

gnomAD v4.1: 7 of 152,256 alleles (0.0046%); highest among the groups gnomAD compares: Admixed American, 0.046%; no homozygotes.

Submission:

PreventionGenetics, part of Exact Sciences
Classification: Likely benign for FYB1-related condition. Last evaluated: 2024-03-18. Review status: no assertion criteria provided. Collection method: clinical testing. Allele origin: germline.
Comment: This variant is classified as likely benign based on ACMG/AMP sequence variant interpretation guidelines (Richards et al. 2015 PMID: 25741868, with internal and published modifications).